The following is an entry in ClinVar:

NM_015466.4(PTPN23):c.3103C>T (p.Pro1035Ser)

Gene: PTPN23 (protein tyrosine phosphatase non-receptor type 23; plus strand). Cytogenetic location: 3p21.31.
Variant type: single nucleotide variant.
Coding change: c.3103C>T on transcript NM_015466.4 (MANE Select); coding-DNA position 3103, C replaced by T.
Protein change: p.Pro1035Ser; replaces proline 1035 with serine.
Molecular consequence: missense variant.
Genome position (GRCh38, 1-based): chr3:47,410,901, C>T. VCF-style: chr3-47410901-C-T. GRCh37 (hg19) VCF-style: chr3-47452391-C-T.
Other names: c.2725C>T, p.Pro909Ser (NM_001304482.2); c.3103C>T (NM_015466.2); short protein forms P1035S, P909S.
Identifiers: ClinVar variation 1470283 (VCV001470283.8), dbSNP rs146697069, ClinGen allele CA2366201.

ClinVar aggregate classification (germline): Uncertain significance. Review status: criteria provided, multiple submitters, no conflicts (2 of 4 stars). 2 submissions from 2 submitters: Uncertain significance (2). Last evaluated 2026-05-14.

Conditions:
Inborn genetic diseases. Identifiers: MedGen C0950123, MeSH D030342.

Allele frequency attached by ClinVar (database versions not stated): gnomAD exomes 0.00003 and 0.00002; ESP Exome Variant Server 0.00008; TOPMed 0.00001; ExAC 0.00001; gnomAD 0.00001 and 0.00002.
gnomAD v4.1: 41 of 1,611,436 alleles (0.0025%); highest among the groups gnomAD compares: Non-Finnish European, 0.0035%; no homozygotes.

Submissions (2):

Ambry Genetics
Classification: Uncertain significance for Inborn genetic diseases. Last evaluated: 2026-05-14. Review status: criteria provided, single submitter. Criteria: Ambry Variant Classification Scheme 2023. Collection method: clinical testing. Allele origin: germline.
Comment: The c.3103C>T (p.P1035S) alteration is located in exon 20 (coding exon 20) of the PTPN23 gene. This alteration results from a C to T substitution at nucleotide position 3103, causing the proline (P) at amino acid position 1035 to be replaced by a serine (S). Based on data from gnomAD, the T allele has an overall frequency of 0.002% (5/244196) total alleles studied. The highest observed frequency was 0.005% (5/108132) of European (non-Finnish) alleles. Based on insufficient or conflicting evidence, the clinical significance of this alteration remains unclear.

Labcorp Genetics (formerly Invitae), Labcorp
Classification: Uncertain significance. Last evaluated: 2025-11-03. Review status: criteria provided, single submitter. Criteria: Invitae Variant Classification Sherloc (09022015). Collection method: clinical testing. Allele origin: germline.
Comment: This sequence change replaces proline, which is neutral and non-polar, with serine, which is neutral and polar, at codon 1035 of the PTPN23 protein (p.Pro1035Ser). This variant is present in population databases (rs146697069, gnomAD 0.004%). This variant has not been reported in the literature in individuals affected with PTPN23-related conditions. ClinVar contains an entry for this variant (Variation ID: 1470283). An algorithm developed to predict the effect of missense changes on protein structure and function (PolyPhen-2) suggests that this variant is likely to be disruptive. In summary, the available evidence is currently insufficient to determine the role of this variant in disease. Therefore, it has been classified as a Variant of Uncertain Significance.